The following is an entry in ClinVar:

ClinVar aggregate classification (germline): Likely benign (1 of 4 stars; one submission).

Conditions:
COG5-congenital disorder of glycosylation. Also called: CONGENITAL DISORDER OF GLYCOSYLATION, TYPE IIi; COG5-CDG; CDG IIi. Identifiers: Orphanet 263487, MedGen C3150876, MONDO:0013325, OMIM 613612.

Allele frequency attached by ClinVar (database versions not stated): gnomAD 0.01000 and 0.00934; 1000 Genomes Project 30x 0.01046; TOPMed 0.01033; gnomAD exomes 0.00099; 1000 Genomes Project 0.00919.
gnomAD v4.1: 1,753 of 485,780 alleles (0.36%); highest among the groups gnomAD compares: African/African-American, 3.2%; 27 homozygotes.

Submission:

Illumina Laboratory Services, Illumina
Classification: Likely benign for COG5-congenital disorder of glycosylation. Last evaluated: 2018-01-13. Review status: criteria provided, single submitter. Criteria: ICSL Variant Classification Criteria 13 December 2019. Collection method: clinical testing. Allele origin: germline.
Comment: This variant was observed in the ICSL laboratory as part of a predisposition screen in an ostensibly healthy population. It had not been previously curated by ICSL or reported in the Human Gene Mutation Database (HGMD: prior to June 1st, 2018), and was therefore a candidate for classification through an automated scoring system. Utilizing variant allele frequency, disease prevalence and penetrance estimates, and inheritance mode, an automated score was calculated to assess if this variant is too frequent to cause the disease. Based on the score and internal cut-off values, a variant classified as likely benign is not then subjected to further curation. The score for this variant resulted in a classification of likely benign for this disease.

NM_006348.3(COG5):c.-298C>G

Genes: COG5 (component of oligomeric golgi complex 5; minus strand), DUS4L (dihydrouridine synthase 4 like; plus strand), DUS4L-BCAP29 (DUS4L-BCAP29 readthrough; plus strand). Cytogenetic location: 7q22.3.
Variant type: single nucleotide variant.
Coding change: c.-298C>G on transcript NM_006348.3; 298 bases upstream of the start codon, C replaced by G.
Molecular consequence: intron variant (on NM_181581.3).
Genome position (GRCh38, 1-based): chr7:107,564,287, G>C on the plus strand (C>G on the coding strand, the complement: COG5 is on the minus strand). VCF-style: chr7-107564287-G-C. GRCh37 (hg19) VCF-style: chr7-107204732-G-C.
Other names: c.-111+40G>C (NM_001371365.2); c.-111+78G>C (NM_001371364.2, NM_001371366.2, NM_181581.3); c.-22+78G>C (NM_001371367.2); c.-111+228G>C (NM_001270419.2).
Identifiers: ClinVar variation 908848 (VCV000908848.6), dbSNP rs80122402, ClinGen allele CA164175132.
Genomic context (GRCh38, chr7:107,564,287, plus strand): 5'-GCCGCAGCGCTTATCTGTGAAGCAAGTATTAAACCTCAGAACAGGGGCCGCGCGGCGTAA[G>C]GCAGGAGAGCAGAGCGGAGGTTTCAGGGAGCTTCGTTTGCCCTCCACACTCACAAGAGTC-3'